The following is an entry in ClinVar:

ClinVar aggregate classification (germline): Uncertain significance (1 of 4 stars; one submission).

Submission:

GeneDx
Classification: Uncertain significance. Last evaluated: 2023-07-10. Review status: criteria provided, single submitter. Criteria: GeneDx Variant Classification Process June 2021. Collection method: clinical testing. Allele origin: germline. Affected: yes.
Comment: Not observed at significant frequency in large population cohorts (gnomAD); In silico analysis supports that this missense variant has a deleterious effect on protein structure/function; Has not been previously published as pathogenic or benign to our knowledge

NM_015057.5(MYCBP2):c.9250A>G (p.Lys3084Glu)

Gene: MYCBP2 (MYC binding protein 2; minus strand). Cytogenetic location: 13q22.3.
Variant type: single nucleotide variant.
Coding change: c.9250A>G on transcript NM_015057.5 (MANE Select); coding-DNA position 9250, A replaced by G.
Protein change: p.Lys3084Glu; replaces lysine 3084 with glutamic acid.
Molecular consequence: missense variant.
Genome position (GRCh38, 1-based): chr13:77,097,904, T>C on the plus strand (A>G on the coding strand, the complement: MYCBP2 is on the minus strand). VCF-style: chr13-77097904-T-C. GRCh37 (hg19) VCF-style: chr13-77672039-T-C.
Other names: short protein forms K3084E.
Identifiers: ClinVar variation 3360966 (VCV003360966.1).